The following continues an entry in ClinVar:

NM_001267550.2(TTN):c.4034G>A (p.Gly1345Asp)

ClinVar aggregate classification (germline): Conflicting classifications of pathogenicity. Uncertain significance (1); Benign (15); Likely benign (4).

Submissions 17 to 25 of 25:

GeneDx
Classification: Benign. Last evaluated: 2013-11-01. Review status: criteria provided, single submitter. Criteria: GeneDx Variant Classification (06012015). Collection method: clinical testing. Allele origin: germline. Affected: yes.
Comment: This variant is considered likely benign or benign based on one or more of the following criteria: it is a conservative change, it occurs at a poorly conserved position in the protein, it is predicted to be benign by multiple in silico algorithms, and/or has population frequency not consistent with disease.

Biesecker Lab/Clinical Genomics Section, National Institutes of Health
Classification: Benign. Last evaluated: 2013-06-24. Review status: criteria provided, single submitter. Criteria: Ng et al. (Circ Cardiovasc Genet. 2013). Collection method: research. Allele origin: unknown. Observed: 15 variant alleles. Study: ClinSeq.
Comment: The study set was not selected for affection status in relation to any cancer. Pathogenicity categories were based on literature curation. See Pubmed ID:23861362 for details.

Medical sequencing

Ambry Genetics
Classification: Benign for Cardiovascular phenotype. Last evaluated: 2013-05-14. Review status: criteria provided, single submitter. Criteria: Ambry Autosomal Dominant and X-Linked criteria (10/2015). Collection method: clinical testing. Allele origin: germline. Observed: 1 variant allele.

PreventionGenetics, part of Exact Sciences
Classification: Benign. Review status: criteria provided, single submitter. Criteria: ACMG Guidelines, 2015. Collection method: clinical testing. Allele origin: germline.

Clinical Genetics DNA and cytogenetics Diagnostics Lab, Erasmus MC, Erasmus Medical Center
Classification: Benign. Review status: no assertion criteria provided. Collection method: clinical testing. Allele origin: germline. Affected: yes. Study: VKGL Data-share Consensus. Not counted in ClinVar's aggregate classification.

Clinical Genetics, Academic Medical Center
Classification: Benign. Review status: no assertion criteria provided. Collection method: clinical testing. Allele origin: germline. Affected: yes. Study: VKGL Data-share Consensus. Not counted in ClinVar's aggregate classification.

Diagnostic Laboratory, Department of Genetics, University Medical Center Groningen
Classification: Likely benign. Review status: no assertion criteria provided. Collection method: clinical testing. Allele origin: germline. Affected: yes. Study: VKGL Data-share Consensus. Not counted in ClinVar's aggregate classification.

Genome Diagnostics Laboratory, University Medical Center Utrecht
Classification: Likely benign. Review status: no assertion criteria provided. Collection method: clinical testing. Allele origin: germline. Affected: yes. Study: VKGL Data-share Consensus. Not counted in ClinVar's aggregate classification.

Laboratory of Diagnostic Genome Analysis, Leiden University Medical Center (LUMC)
Classification: Likely benign. Review status: no assertion criteria provided. Collection method: clinical testing. Allele origin: germline. Affected: yes. Study: VKGL Data-share Consensus. Not counted in ClinVar's aggregate classification.

Literature cited by the submitters: PubMed 24082139 (cited by Women's Health and Genetics/Laboratory Corporation of America, LabCorp); PubMed 24503780 (cited by Women's Health and Genetics/Laboratory Corporation of America, LabCorp); PubMed 25163546 (cited by Women's Health and Genetics/Laboratory Corporation of America, LabCorp); PubMed 26516846 (cited by Women's Health and Genetics/Laboratory Corporation of America, LabCorp); PubMed 29970176 (cited by Women's Health and Genetics/Laboratory Corporation of America, LabCorp).